The following is an entry in ClinVar:

NM_007046.4(EMILIN1):c.940C>T (p.Arg314Trp)

Gene: EMILIN1 (elastin microfibril interfacer 1; plus strand). Cytogenetic location: 2p23.3.
Variant type: single nucleotide variant.
Coding change: c.940C>T on transcript NM_007046.4 (MANE Select); coding-DNA position 940, C replaced by T.
Protein change: p.Arg314Trp; replaces arginine 314 with tryptophan.
Molecular consequence: missense variant.
Genome position (GRCh38, 1-based): chr2:27,082,511, C>T. VCF-style: chr2-27082511-C-T. GRCh37 (hg19) VCF-style: chr2-27305379-C-T.
Other names: short protein forms R314W.
Identifiers: ClinVar variation 4873369 (VCV004873369.2).

ClinVar aggregate classification (germline): Likely benign (1 of 4 stars; one submission).

Submission:

CeGaT Center for Human Genetics Tuebingen
Classification: Likely benign. Last evaluated: 2026-06-01. Review status: criteria provided, single submitter. Criteria: CeGaT Center For Human Genetics Tuebingen Variant Classification Criteria Version 2. Collection method: clinical testing. Allele origin: germline. Affected: yes. Observed: 1 variant allele.
Comment: EMILIN1: BP4